The following is an entry in ClinVar:

ClinVar aggregate classification (germline): Uncertain significance. Review status: criteria provided, multiple submitters, no conflicts (2 of 4 stars). 7 submissions from 7 submitters: Uncertain significance (7). Last evaluated 2026-10-08.

Conditions:
Malignant hyperthermia, susceptibility to, 1 (MHS1). Also called: Anesthesia related hyperthermia; Malignant hyperpyrexia; Fulminating hyperpyrexia; Pharmacogenic myopathy; RYR1-Related Malignant Hyperthermia Susceptibility; Malignant hyperthermia suceptibility 1. Identifiers: Orphanet 423, MedGen C2930980, MONDO:0007783, OMIM 145600.
Central core myopathy (CMYO1A). Also called: CONGENITAL MYOPATHY 1A, AUTOSOMAL DOMINANT, WITH SUSCEPTIBILITY TO MALIGNANT HYPERTHERMIA; Central core disease; Myopathy, central fibrillar. Identifiers: Orphanet 597, MedGen C5830701, MONDO:0007294, OMIM 117000.
Congenital myopathy with fiber type disproportion. Also called: Congenital fiber-type disproportion myopathy; Congenital fiber-type disproportion. Identifiers: Orphanet 2020, MedGen C0546264, MONDO:0009711. Inheritance: all.
Congenital multicore myopathy with external ophthalmoplegia (CMYO1B). Also called: Congenital myopathy 1B, autosomal recessive; Minicore myopathy; Minicore myopathy with external ophthalmoplegia; MULTIMINICORE DISEASE WITH EXTERNAL OPHTHALMOPLEGIA; MULTICORE MYOPATHY. Identifiers: Orphanet 598, Orphanet 98905, MedGen C1850674, MONDO:0009712, OMIM 255320, HP:0003789.
King Denborough syndrome (KDS). Identifiers: MedGen C1840365, MONDO:0020485, OMIM 619542.
RYR1-related disorder. Also called: RYR1-related disorders; RYR1-related condition. Identifiers: MedGen CN239331.

Allele frequency attached by ClinVar (database versions not stated): ExAC 0.00001; gnomAD 0.00001 and 0.00002; gnomAD exomes 0.00001 and 0.00003; TOPMed 0.00003.
gnomAD v4.1: 41 of 1,613,994 alleles (0.0025%); highest among the groups gnomAD compares: Non-Finnish European, 0.0031%; no homozygotes.

Submissions (7):

GeneDx
Classification: Uncertain significance. Last evaluated: 2026-10-08. Review status: criteria provided, single submitter. Criteria: GeneDx Variant Classification Process June 2021. Collection method: clinical testing. Allele origin: germline.
Comment: Not observed at significant frequency in large population cohorts (gnomAD); In silico analysis suggests that this missense variant does not alter protein structure/function; Has not been previously published as pathogenic or benign to our knowledge; This variant is associated with the following publications: (PMID: 33767344)

Labcorp Genetics (formerly Invitae), Labcorp
Classification: Uncertain significance for RYR1-related disorder. Last evaluated: 2026-01-26. Review status: criteria provided, single submitter. Criteria: Invitae Variant Classification Sherloc (09022015). Collection method: clinical testing. Allele origin: germline.
Comment: This sequence change replaces methionine, which is neutral and non-polar, with valine, which is neutral and non-polar, at codon 402 of the RYR1 protein (p.Met402Val). This variant is present in population databases (rs766763626, gnomAD 0.004%). This variant has not been reported in the literature in individuals affected with RYR1-related conditions. ClinVar contains an entry for this variant (Variation ID: 580665). Invitae Evidence Modeling of protein sequence and biophysical properties (such as structural, functional, and spatial information, amino acid conservation, physicochemical variation, residue mobility, and thermodynamic stability) indicates that this missense variant is not expected to disrupt RYR1 protein function with a negative predictive value of 95%. This variant disrupts the p.Arg407 amino acid residue in RYR1. Other variant(s) that disrupt this residue have been determined to be pathogenic (PMID: 17033962, 17483490, 20583297). This suggests that this residue is clinically significant, and that variants that disrupt this residue are likely to be disease-causing. In summary, the available evidence is currently insufficient to determine the role of this variant in disease. Therefore, it has been classified as a Variant of Uncertain Significance.

Color Diagnostics, LLC DBA Color Health
Classification: Uncertain significance for Malignant hyperthermia, susceptibility to, 1. Last evaluated: 2025-10-14. Review status: criteria provided, single submitter. Criteria: ACMG Guidelines, 2015. Collection method: clinical testing. Allele origin: germline.
Comment: This missense variant replaces methionine with valine at codon 402 of the RYR1 protein. Computational prediction is inconclusive regarding the impact of this variant on protein structure and function. To our knowledge, functional studies have not been reported for this variant. This variant has not been reported in individuals affected with RYR1-related disorders in the literature. This variant has been identified in 4/282802 chromosomes in the general population by the Genome Aggregation Database (gnomAD). The available evidence is insufficient to determine the role of this variant in disease conclusively. Therefore, this variant is classified as a Variant of Uncertain Significance.

PreventionGenetics, part of Exact Sciences
Classification: Uncertain significance for RYR1-related condition. Last evaluated: 2025-02-14. Review status: criteria provided, single submitter. Criteria: ACMG Guidelines, 2015. Collection method: clinical testing. Allele origin: germline.
Comment: The RYR1 c.1204A>G variant is predicted to result in the amino acid substitution p.Met402Val. To our knowledge, this variant has not been reported in the literature. A different amino acid substitution at this position (c.1205 p.Met402Thr) has been reported patients with RYR1-related disorders (Zhou et al. 2007. PubMed ID: 17483490; Witting et al. 2017. PubMed ID: 29635721; Juntas Morales et al. 2021. PubMed ID: 34440373). This variant is reported in 0.0040% of alleles in individuals of European (Finnish) descent in gnomAD. At this time, the clinical significance of this variant is uncertain due to the absence of conclusive functional and genetic evidence.

Women's Health and Genetics/Laboratory Corporation of America, LabCorp
Classification: Uncertain significance. Last evaluated: 2024-07-10. Review status: criteria provided, single submitter. Criteria: LabCorp Variant Classification Summary - May 2015. Collection method: clinical testing. Allele origin: germline.
Comment: Variant summary: RYR1 c.1204A>G (p.Met402Val) results in a conservative amino acid change in the encoded protein sequence. Three of five in-silico tools predict a benign effect of the variant on protein function. The variant allele was found at a frequency of 1.2e-05 in 251444 control chromosomes. The available data on variant occurrences in the general population are insufficient to allow any conclusion about variant significance. To our knowledge, no occurrence of c.1204A>G in individuals affected with RYR1-Associated Myopathy or other RYR1-related disorders and no experimental evidence demonstrating its impact on protein function have been reported. ClinVar contains an entry for this variant (Variation ID: 580665). Based on the evidence outlined above, the variant was classified as uncertain significance.

Revvity Omics, Revvity
Classification: Uncertain significance. Last evaluated: 2022-12-19. Review status: criteria provided, single submitter. Criteria: ACMG Guidelines, 2015. Collection method: clinical testing. Allele origin: germline.

Fulgent Genetics
Classification: Uncertain significance for Central core myopathy; Malignant hyperthermia, susceptibility to, 1; Congenital myopathy 4A, autosomal dominant; Congenital multicore myopathy with external ophthalmoplegia; King Denborough syndrome. Last evaluated: 2021-10-16. Review status: criteria provided, single submitter. Criteria: ACMG Guidelines, 2015. Collection method: clinical testing. Allele origin: unknown.

Literature cited by the submitters: PubMed 17033962 (cited by Labcorp Genetics (formerly Invitae), Labcorp); PubMed 17483490 (cited by Labcorp Genetics (formerly Invitae), Labcorp); PubMed 20583297 (cited by Labcorp Genetics (formerly Invitae), Labcorp).

NM_000540.3(RYR1):c.1204A>G (p.Met402Val)

Gene: RYR1 (ryanodine receptor 1; plus strand). Cytogenetic location: 19q13.2.
Variant type: single nucleotide variant.
Coding change: c.1204A>G on transcript NM_000540.3 (MANE Select); coding-DNA position 1204, A replaced by G.
Protein change: p.Met402Val; replaces methionine 402 with valine.
Molecular consequence: missense variant.
Genome position (GRCh38, 1-based): chr19:38,451,845, A>G. VCF-style: chr19-38451845-A-G. GRCh37 (hg19) VCF-style: chr19-38942485-A-G.
Other names: c.1204A>G, p.Met402Val (NM_001042723.2); short protein forms M402V.
Identifiers: ClinVar variation 580665 (VCV000580665.17), dbSNP rs766763626, ClinGen allele CA058148.